The following is an entry in ClinVar:

NM_016589.4(TIMMDC1):c.391T>C (p.Phe131Leu)

Gene: TIMMDC1 (translocase of inner mitochondrial membrane domain containing 1; plus strand). Cytogenetic location: 3q13.33.
Variant type: single nucleotide variant.
Coding change: c.391T>C on transcript NM_016589.4 (MANE Select); coding-DNA position 391, T replaced by C.
Protein change: p.Phe131Leu; replaces phenylalanine 131 with leucine.
Molecular consequence: missense variant.
Genome position (GRCh38, 1-based): chr3:119,503,562, T>C. VCF-style: chr3-119503562-T-C. GRCh37 (hg19) VCF-style: chr3-119222409-T-C.
Other names: short protein forms F131L.
Identifiers: ClinVar variation 1913100 (VCV001913100.2), dbSNP rs371314548, ClinGen allele CA2555219.

ClinVar aggregate classification (germline): Uncertain significance (1 of 4 stars; one submission).

Allele frequency attached by ClinVar (database versions not stated): ExAC 0.00001; TOPMed 0.00002; gnomAD 0.00003; ESP Exome Variant Server 0.00008; gnomAD exomes 0.00012.
gnomAD v4.1: 168 of 1,612,412 alleles (0.01%); highest among the groups gnomAD compares: Admixed American, 0.017%; no homozygotes.

Submission:

Labcorp Genetics (formerly Invitae), Labcorp
Classification: Uncertain significance. Last evaluated: 2022-06-16. Review status: criteria provided, single submitter. Criteria: Invitae Variant Classification Sherloc (09022015). Collection method: clinical testing. Allele origin: germline.
Comment: This sequence change replaces phenylalanine, which is neutral and non-polar, with leucine, which is neutral and non-polar, at codon 131 of the TIMMDC1 protein (p.Phe131Leu). This variant is present in population databases (rs371314548, gnomAD 0.02%). This variant has not been reported in the literature in individuals affected with TIMMDC1-related conditions. Algorithms developed to predict the effect of missense changes on protein structure and function are either unavailable or do not agree on the potential impact of this missense change (SIFT: "Deleterious"; PolyPhen-2: "Probably Damaging"; Align-GVGD: "Class C0"). In summary, the available evidence is currently insufficient to determine the role of this variant in disease. Therefore, it has been classified as a Variant of Uncertain Significance.